The following is an entry in ClinVar:

NM_003079.5(SMARCE1):c.811A>G (p.Lys271Glu)

Gene: SMARCE1 (SWI/SNF related BAF chromatin remodeling complex subunit E1; minus strand). Cytogenetic location: 17q21.2.
Variant type: single nucleotide variant.
Coding change: c.811A>G on transcript NM_003079.5 (MANE Select); coding-DNA position 811, A replaced by G.
Protein change: p.Lys271Glu; replaces lysine 271 with glutamic acid.
Molecular consequence: missense variant.
Genome position (GRCh38, 1-based): chr17:40,631,597, T>C on the plus strand (A>G on the coding strand, the complement: SMARCE1 is on the minus strand). VCF-style: chr17-40631597-T-C. GRCh37 (hg19) VCF-style: chr17-38787849-T-C.
Other names: short protein forms K271E.
Identifiers: ClinVar variation 2715888 (VCV002715888.3), dbSNP rs2508597270, ClinGen allele CA399364107.

ClinVar aggregate classification (germline): Uncertain significance (1 of 4 stars; one submission).

Conditions:
Familial meningioma. Also called: Meningioma, familial, susceptibility to. Identifiers: Orphanet 263662, MedGen C3551915, MONDO:0011789, OMIM 607174.

Submission:

Labcorp Genetics (formerly Invitae), Labcorp
Classification: Uncertain significance for Familial meningioma. Last evaluated: 2023-06-15. Review status: criteria provided, single submitter. Criteria: Invitae Variant Classification Sherloc (09022015). Collection method: clinical testing. Allele origin: germline.
Comment: This sequence change replaces lysine, which is basic and polar, with glutamic acid, which is acidic and polar, at codon 271 of the SMARCE1 protein (p.Lys271Glu). This variant is not present in population databases (gnomAD no frequency). This variant has not been reported in the literature in individuals affected with SMARCE1-related conditions. Advanced modeling of protein sequence and biophysical properties (such as structural, functional, and spatial information, amino acid conservation, physicochemical variation, residue mobility, and thermodynamic stability) performed at Invitae indicates that this missense variant is expected to disrupt SMARCE1 protein function. In summary, the available evidence is currently insufficient to determine the role of this variant in disease. Therefore, it has been classified as a Variant of Uncertain Significance.